The following is an entry in ClinVar:

NM_001042492.3(NF1):c.4110+937C>T

Gene: NF1 (neurofibromin 1; plus strand). Cytogenetic location: 17q11.2.
Variant type: single nucleotide variant.
Coding change: c.4110+937C>T on transcript NM_001042492.3 (MANE Select); 937 bases into the intron after coding-DNA position 4110, C replaced by T.
Molecular consequence: intron variant.
Genome position (GRCh38, 1-based): chr17:31,250,056, C>T. VCF-style: chr17-31250056-C-T. GRCh37 (hg19) VCF-style: chr17-29577074-C-T.
Other names: c.4110+937C>T (NM_000267.4).
Identifiers: ClinVar variation 3039568 (VCV003039568.2), dbSNP rs1287975998, ClinGen allele CA728045966.

ClinVar aggregate classification (germline): Likely benign (0 of 4 stars; one submission).

Conditions:
NF1-related disorder. Also called: NF1-related condition. Identifiers: MedGen CN379171.

Allele frequency attached by ClinVar (database versions not stated): gnomAD exomes 0.00001; TOPMed 0.00001.
gnomAD v4.1: 5 of 489,436 alleles (0.001%); highest among the groups gnomAD compares: Middle Eastern, 0.031%; no homozygotes.

Submission:

PreventionGenetics, part of Exact Sciences
Classification: Likely benign for NF1-related condition. Last evaluated: 2019-04-29. Review status: no assertion criteria provided. Collection method: clinical testing. Allele origin: germline.
Comment: This variant is classified as likely benign based on ACMG/AMP sequence variant interpretation guidelines (Richards et al. 2015 PMID: 25741868, with internal and published modifications).